The following is an entry in ClinVar:

ClinVar aggregate classification (germline): Uncertain significance. Review status: criteria provided, multiple submitters, no conflicts (2 of 4 stars). 2 submissions from 2 submitters: Uncertain significance (2). Last evaluated 2026-09-17.

Conditions:
PIEZO1-related disorder. Also called: PIEZO1-related condition; PIEZO1-Related Disorders.

Allele frequency attached by ClinVar (database versions not stated): gnomAD exomes 0.00001.
gnomAD v4.1: 10 of 1,549,782 alleles (0.00065%); highest among the groups gnomAD compares: Admixed American, 0.002%; no homozygotes.

Submissions (2):

PreventionGenetics, part of Exact Sciences
Classification: Uncertain significance for PIEZO1-related condition. Last evaluated: 2026-09-17. Review status: criteria provided, single submitter. Criteria: ACMG Guidelines, 2015. Collection method: clinical testing. Allele origin: germline.
Comment: The PIEZO1 c.2942G>A variant is predicted to result in the amino acid substitution p.Gly981Asp. To our knowledge, this variant has not been reported in the literature. This variant is reported in 0.0041% of alleles in individuals of Latino descent in gnomAD. At this time, the clinical significance of this variant is uncertain due to the absence of conclusive functional and genetic evidence.

Revvity Omics, Revvity
Classification: Uncertain significance. Last evaluated: 2023-05-15. Review status: criteria provided, single submitter. Criteria: ACMG Guidelines, 2015. Collection method: clinical testing. Allele origin: germline.

NM_001142864.4(PIEZO1):c.2942G>A (p.Gly981Asp)

Genes: HSALR1 (HSP90AB1 associated lncRNA 1; plus strand), PIEZO1 (piezo type mechanosensitive ion channel component 1 (Er blood group); minus strand). Cytogenetic location: 16q24.3.
Variant type: single nucleotide variant.
Coding change: c.2942G>A on transcript NM_001142864.4 (MANE Select); coding-DNA position 2942, G replaced by A.
Protein change: p.Gly981Asp; replaces glycine 981 with aspartic acid.
Molecular consequence: missense variant.
Genome position (GRCh38, 1-based): chr16:88,732,384, C>T on the plus strand (G>A on the coding strand, the complement: PIEZO1 is on the minus strand). VCF-style: chr16-88732384-C-T. GRCh37 (hg19) VCF-style: chr16-88798792-C-T.
Other names: c.2942G>A (NM_001142864.3); c.1484G>A, p.Gly495Asp (NM_014745.1); short protein forms G495D, G981D.
Identifiers: ClinVar variation 2689702 (VCV002689702.3), dbSNP rs1216285611, ClinGen allele CA397109594.